The following is an entry in ClinVar:

ClinVar aggregate classification (germline): Uncertain significance. Review status: criteria provided, multiple submitters, no conflicts (2 of 4 stars). 2 submissions from 2 submitters: Uncertain significance (2). Last evaluated 2023-01-22.

Conditions:
Fanconi anemia (FA). Also called: Fanconi's anemia. Identifiers: Orphanet 84, MedGen C0015625, MeSH D005199, MONDO:0019391.
Fanconi anemia complementation group L (FANCL). Also called: FANCL-Related Fanconi Anemia. Identifiers: Orphanet 84, MedGen C3469528, MONDO:0013566, OMIM 614083.

Allele frequency attached by ClinVar (database versions not stated): TOPMed 0.00002.
gnomAD v4.1: 12 of 1,614,124 alleles (0.00074%); highest among the groups gnomAD compares: Admixed American, 0.0083%; no homozygotes.

Submissions (2):

Labcorp Genetics (formerly Invitae), Labcorp
Classification: Uncertain significance for Fanconi anemia. Last evaluated: 2023-01-22. Review status: criteria provided, single submitter. Criteria: Invitae Variant Classification Sherloc (09022015). Collection method: clinical testing. Allele origin: germline.
Comment: In summary, the available evidence is currently insufficient to determine the role of this variant in disease. Therefore, it has been classified as a Variant of Uncertain Significance. Algorithms developed to predict the effect of missense changes on protein structure and function are either unavailable or do not agree on the potential impact of this missense change (SIFT: "Tolerated"; PolyPhen-2: "Probably Damaging"; Align-GVGD: "Class C0"). ClinVar contains an entry for this variant (Variation ID: 1044303). This variant has not been reported in the literature in individuals affected with FANCL-related conditions. This variant is present in population databases (no rsID available, gnomAD 0.006%). This sequence change replaces leucine, which is neutral and non-polar, with phenylalanine, which is neutral and non-polar, at codon 9 of the FANCL protein (p.Leu9Phe).

Fulgent Genetics
Classification: Uncertain significance for Fanconi anemia complementation group L. Last evaluated: 2021-08-09. Review status: criteria provided, single submitter. Criteria: ACMG Guidelines, 2015. Collection method: clinical testing. Allele origin: unknown.

NM_018062.4(FANCL):c.27G>C (p.Leu9Phe)

Gene: FANCL (FA complementation group L; minus strand). Cytogenetic location: 2p16.1.
Variant type: single nucleotide variant.
Coding change: c.27G>C on transcript NM_018062.4 (MANE Select); coding-DNA position 27, G replaced by C.
Protein change: p.Leu9Phe; replaces leucine 9 with phenylalanine.
Molecular consequence: missense variant.
Genome position (GRCh38, 1-based): chr2:58,241,287, C>G on the plus strand (G>C on the coding strand, the complement: FANCL is on the minus strand). VCF-style: chr2-58241287-C-G. GRCh37 (hg19) VCF-style: chr2-58468422-C-G.
Other names: c.27G>C, p.Leu9Phe (NM_001114636.2, NM_001374615.1, NM_001410792.1); short protein forms L9F.
Identifiers: ClinVar variation 1044303 (VCV001044303.8), dbSNP rs370409722, ClinGen allele CA347035182.